The following is an entry in ClinVar:

NM_004947.5(DOCK3):c.2155C>T (p.Arg719Ter)

Gene: DOCK3 (dedicator of cytokinesis 3; plus strand). Cytogenetic location: 3p21.2.
Variant type: single nucleotide variant.
Coding change: c.2155C>T on transcript NM_004947.5 (MANE Select); coding-DNA position 2155, C replaced by T.
Protein change: p.Arg719Ter; replaces arginine 719 with a stop codon.
Molecular consequence: nonsense.
Genome position (GRCh38, 1-based): chr3:51,246,778, C>T. VCF-style: chr3-51246778-C-T. GRCh37 (hg19) VCF-style: chr3-51284209-C-T.
Other names: short protein forms R719*.
Identifiers: ClinVar variation 5041584 (VCV005041584.1).

ClinVar aggregate classification (germline): Likely pathogenic (1 of 4 stars; one submission).

Submission:

CeGaT Center for Human Genetics Tuebingen
Classification: Likely pathogenic. Last evaluated: 2026-09-01. Review status: criteria provided, single submitter. Criteria: CeGaT Center For Human Genetics Tuebingen Variant Classification Criteria Version 2. Collection method: clinical testing. Allele origin: germline. Affected: yes. Observed: 1 variant allele.
Comment: DOCK3: PVS1:Strong, PM2